The following is an entry in ClinVar:

NM_177965.4(CFAP418):c.318G>A (p.Pro106=)

Gene: CFAP418 (cilia and flagella associated protein 418; minus strand). Cytogenetic location: 8q22.1.
Variant type: single nucleotide variant.
Coding change: c.318G>A on transcript NM_177965.4 (MANE Select); coding-DNA position 318, G replaced by A.
Protein change: p.Pro106=; no amino-acid change (proline 106 retained).
Molecular consequence: synonymous variant.
Genome position (GRCh38, 1-based): chr8:95,259,896, C>T on the plus strand (G>A on the coding strand, the complement: CFAP418 is on the minus strand). VCF-style: chr8-95259896-C-T. GRCh37 (hg19) VCF-style: chr8-96272124-C-T.
Other names: c.318G>A (NM_177965.3); c.318G>A, p.Pro106= (NM_001363260.1).
Identifiers: ClinVar variation 1681129 (VCV001681129.13), dbSNP rs751128167, ClinGen allele CA4815179.

ClinVar aggregate classification (germline): Conflicting classifications of pathogenicity. Review status: criteria provided, conflicting classifications (1 of 4 stars). 4 submissions from 4 submitters: Uncertain significance (1); Likely benign (2). 1 of the submissions does not count toward it. Last evaluated 2025-12-24.

Conditions:
CFAP418-related disorder. Also called: CFAP418-related condition.
Retinal dystrophy. Also called: Inherited retinal dystrophy. Identifiers: Orphanet 71862, MedGen C0854723, MeSH D058499, MONDO:0019118, HP:0000556.

Allele frequency attached by ClinVar (database versions not stated): gnomAD 0.00005 and 0.00007; ExAC 0.00006; TOPMed 0.00006; gnomAD exomes 0.00007 and 0.00009.

Submissions (4):

Labcorp Genetics (formerly Invitae), Labcorp
Classification: Likely benign. Last evaluated: 2025-12-24. Review status: criteria provided, single submitter. Criteria: Invitae Variant Classification Sherloc (09022015). Collection method: clinical testing. Allele origin: germline.

Blueprint Genetics
Classification: Likely benign. Last evaluated: 2024-02-02. Review status: criteria provided, single submitter. Criteria: ACMG Guidelines, 2015. Collection method: clinical testing. Allele origin: germline.

Dept Of Ophthalmology, Nagoya University
Classification: Uncertain significance for Retinal dystrophy. Last evaluated: 2023-10-01. Review status: criteria provided, single submitter. Criteria: Submitter's publication. Collection method: research. Allele origin: germline. Affected: yes.

PreventionGenetics, part of Exact Sciences
Classification: Likely benign for CFAP418-related condition. Last evaluated: 2022-02-09. Review status: no assertion criteria provided. Collection method: clinical testing. Allele origin: germline. Not counted in ClinVar's aggregate classification.
Comment: This variant is classified as likely benign based on ACMG/AMP sequence variant interpretation guidelines (Richards et al. 2015 PMID: 25741868, with internal and published modifications).